The following is an entry in ClinVar:

NM_002087.4(GRN):c.1060C>T (p.Leu354=)

Gene: GRN (granulin precursor; plus strand). Cytogenetic location: 17q21.31.
Variant type: single nucleotide variant.
Coding change: c.1060C>T on transcript NM_002087.4 (MANE Select); coding-DNA position 1060, C replaced by T.
Protein change: p.Leu354=; no amino-acid change (leucine 354 retained).
Molecular consequence: synonymous variant.
Genome position (GRCh38, 1-based): chr17:44,351,676, C>T. VCF-style: chr17-44351676-C-T. GRCh37 (hg19) VCF-style: chr17-42429044-C-T.
Identifiers: ClinVar variation 2149038 (VCV002149038.28), dbSNP rs760023690, ClinGen allele CA8602094.
Genomic context (GRCh38, chr17:44,351,676, plus strand): 5'-ACCTGTGAACAGGGGCCCCACCAGGTGCCCTGGATGGAGAAGGCCCCAGCTCACCTCAGC[C>T]TGCCAGACCCACAAGCCTTGAAGAGAGATGTCCCCTGTGATAATGTCAGCAGCTGTCCCT-3'
Protein context (NP_002078.1, residues 344-364): WMEKAPAHLS[Leu354=]PDPQALKRDV

ClinVar aggregate classification (germline): Likely benign. Review status: criteria provided, multiple submitters, no conflicts (2 of 4 stars). 2 submissions from 2 submitters: Likely benign (2). Last evaluated 2022-11-01.

Conditions:
Neuronal ceroid lipofuscinosis 11. Also called: GRN-Related Neuronal Ceroid-Lipofuscinosis. Identifiers: Orphanet 314629, Orphanet 79262, MedGen C3539123, MONDO:0013866, OMIM 614706.
GRN-related frontotemporal lobar degeneration with Tdp43 inclusions (FTD2). Also called: GRN Frontotemporal Dementia; FRONTOTEMPORAL DEMENTIA WITH TDP43 INCLUSIONS, GRN-RELATED; DEMENTIA, HEREDITARY DYSPHASIC DISINHIBITION; FRONTOTEMPORAL LOBAR DEGENERATION WITH UBIQUITIN-POSITIVE INCLUSIONS; FTLD-TDP, GRN-RELATED. Identifiers: Orphanet 100070, Orphanet 282, MedGen C1843792, MONDO:0011842, OMIM 607485. Disease mechanism: loss of function.

Allele frequency attached by ClinVar (database versions not stated): gnomAD exomes 0.00001; ExAC 0.00002.
gnomAD v4.1: 13 of 1,614,068 alleles (0.00081%); highest among the groups gnomAD compares: South Asian, 0.0077%; 1 homozygote.

Submissions (2):

CeGaT Center for Human Genetics Tuebingen
Classification: Likely benign. Last evaluated: 2022-11-01. Review status: criteria provided, single submitter. Criteria: CeGaT Center For Human Genetics Tuebingen Variant Classification Criteria Version 2. Collection method: clinical testing. Allele origin: germline. Affected: yes. Observed: 1 variant allele.
Comment: GRN: BP4, BP7

Labcorp Genetics (formerly Invitae), Labcorp
Classification: Likely benign for Neuronal ceroid lipofuscinosis 11; GRN-related frontotemporal lobar degeneration with Tdp43 inclusions. Last evaluated: 2022-06-10. Review status: criteria provided, single submitter. Criteria: Invitae Variant Classification Sherloc (09022015). Collection method: clinical testing. Allele origin: germline.